The following is an entry in ClinVar:

NM_000439.5(PCSK1):c.236C>G (p.Ser79Cys)

Genes: CAST (calpastatin; plus strand), PCSK1 (proprotein convertase subtilisin/kexin type 1; minus strand), LOC101929710 (uncharacterized LOC101929710; plus strand). Cytogenetic location: 5q15.
Variant type: single nucleotide variant.
Coding change: c.236C>G on transcript NM_000439.5 (MANE Select); coding-DNA position 236, C replaced by G.
Protein change: p.Ser79Cys; replaces serine 79 with cysteine.
Molecular consequence: missense variant. On other transcripts: intron variant (11).
Genome position (GRCh38, 1-based): chr5:96,429,262, G>C on the plus strand (C>G on the coding strand, the complement: PCSK1 is on the minus strand). VCF-style: chr5-96429262-G-C. GRCh37 (hg19) VCF-style: chr5-95764966-G-C.
Other names: c.95C>G, p.Ser32Cys (NM_001177875.2); c.-175+49610G>C (NM_001423254.1, NM_001423259.1, NM_001423255.1 and 6 more transcripts); c.-103+49610G>C (NM_001423253.1); c.-40+49610G>C (NM_001423258.1); short protein forms S32C, S79C.
Identifiers: ClinVar variation 2632058 (VCV002632058.2), dbSNP rs1339347581, ClinGen allele CA360485242.

ClinVar aggregate classification (germline): Uncertain significance (1 of 4 stars; one submission).

Conditions:
PCSK1-related disorder. Also called: PCSK1-related condition.

Allele frequency attached by ClinVar (database versions not stated): gnomAD 0.00001; TOPMed 0.00001.
gnomAD v4.1: 25 of 1,604,292 alleles (0.0016%); highest among the groups gnomAD compares: Non-Finnish European, 0.002%; no homozygotes.

Submission:

PreventionGenetics, part of Exact Sciences
Classification: Uncertain significance for PCSK1-related condition. Last evaluated: 2025-05-15. Review status: criteria provided, single submitter. Criteria: ACMG Guidelines, 2015. Collection method: clinical testing. Allele origin: germline.
Comment: The PCSK1 c.236C>G variant is predicted to result in the amino acid substitution p.Ser79Cys. This variant was observed in a cohort of obese individuals, and in vitro functional studies showed suggestive evidence of loss of function (Supplemental Data Set, Shah et al. 2023. PubMed ID: 36864747). This variant is reported in 0.011% of alleles in individuals of African descent in gnomAD. Although we suspect that this variant may be pathogenic, at this time, the clinical significance of this variant is uncertain due to the absence of conclusive functional and genetic evidence.